The following is an entry in ClinVar:

NM_000377.3(WAS):c.701del (p.Ser234fs)

Gene: WAS (WASP actin nucleation promoting factor; plus strand). Cytogenetic location: Xp11.23.
Variant type: Deletion.
Coding change: c.701del on transcript NM_000377.3 (MANE Select); coding-DNA position 701, one base deleted (G; older notation c.701delG).
Protein change: p.Ser234fs; shifts the reading frame from serine 234.
Molecular consequence: frameshift variant.
Genome position (GRCh38, 1-based): chrX:48,686,922, G deleted. VCF-style (leftmost placement, unchanged base first): chrX-48686921-AG-A. GRCh37 (hg19) VCF-style: chrX-48545310-AG-A.
Other names: short protein forms S234fs.
Identifiers: ClinVar variation 2005814 (VCV002005814.4), dbSNP rs2519283379, ClinGen allele CA2580101054.

ClinVar aggregate classification (germline): Pathogenic (1 of 4 stars; one submission).

Conditions:
Thrombocytopenia 1. Also called: X-Linked Thrombocytopenia (XLT); X-linked thrombocytopenia with normal platelets; THROMBOCYTOPENIA, X-LINKED, 1. Identifiers: Orphanet 268322, Orphanet 852, MedGen C1839163, MONDO:0010743, OMIM 313900.
Wiskott-Aldrich syndrome (WAS). Also called: ALDRICH SYNDROME; IMMUNODEFICIENCY 2; WISKOTT-ALDRICH SYNDROME 1; Wiskott-aldrich syndrome, somatic. Identifiers: Orphanet 906, MedGen C0043194, MONDO:0010518, OMIM 301000.
X-linked severe congenital neutropenia (SCNX). Identifiers: Orphanet 86788, MedGen C1845987, MONDO:0010294, OMIM 300299.

Submission:

Labcorp Genetics (formerly Invitae), Labcorp
Classification: Pathogenic for Wiskott-Aldrich syndrome; X-linked severe congenital neutropenia; Thrombocytopenia 1. Last evaluated: 2022-06-13. Review status: criteria provided, single submitter. Criteria: Invitae Variant Classification Sherloc (09022015). Collection method: clinical testing. Allele origin: germline.
Comment: This sequence change creates a premature translational stop signal (p.Ser234Thrfs*27) in the WAS gene. It is expected to result in an absent or disrupted protein product. Loss-of-function variants in WAS are known to be pathogenic (PMID: 15284122). This variant is not present in population databases (gnomAD no frequency). This variant has not been reported in the literature in individuals affected with WAS-related conditions. For these reasons, this variant has been classified as Pathogenic.

Literature cited by the submitters: PubMed 15284122.